The following is an entry in ClinVar:

ClinVar aggregate classification (germline): Pathogenic (1 of 4 stars; one submission).

Conditions:
Neurofibromatosis, type 1 (NF1). Also called: Peripheral type neurofibromatosis; VON RECKLINGHAUSEN DISEASE; NEUROFIBROMATOSIS, TYPE I, SOMATIC; Neurofibromatosis, type I. Identifiers: Orphanet 636, MedGen C0027831, MONDO:0018975, OMIM 162200. Disease mechanism: loss of function.

Submission:

Labcorp Genetics (formerly Invitae), Labcorp
Classification: Pathogenic for Neurofibromatosis, type 1. Last evaluated: 2021-10-28. Review status: criteria provided, single submitter. Criteria: Invitae Variant Classification Sherloc (09022015). Collection method: clinical testing. Allele origin: germline.
Comment: This variant is a gross deletion of the genomic region encompassing exon(s) 6-35 of the NF1 gene. This deletion is out-of-frame, and is expected to create a premature termination codon and result in an absent or disrupted protein product. Loss-of-function variants in NF1 are known to be pathogenic (PMID: 10712197, 23913538). This variant has not been reported in the literature in individuals affected with NF1-related conditions. For these reasons, this variant has been classified as Pathogenic.

Literature cited by the submitters: PubMed 10712197; PubMed 23913538.

NC_000017.10:g.(?_29508420)_(29592377_?)del

Gene: NF1 (neurofibromin 1; plus strand). Cytogenetic location: 17q11.2.
Variant type: Deletion.
Identifiers: ClinVar variation 2422749 (VCV002422749.3).